The following is an entry in ClinVar:

ClinVar aggregate classification (germline): Uncertain significance (1 of 4 stars; one submission).

Conditions:
Hereditary cancer-predisposing syndrome. Also called: Hereditary Cancer Syndrome; Hereditary neoplastic syndrome; Neoplastic Syndromes, Hereditary; Tumor predisposition. Identifiers: Orphanet 140162, MedGen C0027672, MeSH D009386, MONDO:0015356.

Submission:

Sema4
Classification: Uncertain significance for Hereditary cancer-predisposing syndrome. Last evaluated: 2021-12-16. Review status: criteria provided, single submitter. Criteria: Sema4 Curation Guidelines. Collection method: curation. Allele origin: germline.
Comment: The SMARCB1 c.185A>C (p.K62T) variant has not been reported in the literature to our knowledge. This variant is not reported in the population database Genome Aggregation Database (PMID: 32461654). This variant has not been reported in ClinVar. Functional studies have not been performed, and in silico predictions of the variant's effect on protein function are inconclusive. The evidence is insufficient to meet ACMG/AMP criteria for classifying the variant as benign or pathogenic. Thus, the clinical significance of this variant is currently uncertain.

NM_003073.5(SMARCB1):c.185A>C (p.Lys62Thr)

Gene: SMARCB1 (SWI/SNF related BAF chromatin remodeling complex subunit B1; plus strand). Cytogenetic location: 22q11.23.
Variant type: single nucleotide variant.
Coding change: c.185A>C on transcript NM_003073.5 (MANE Select); coding-DNA position 185, A replaced by C.
Protein change: p.Lys62Thr; replaces lysine 62 with threonine.
Molecular consequence: missense variant.
Genome position (GRCh38, 1-based): chr22:23,791,847, A>C. VCF-style: chr22-23791847-A-C. GRCh37 (hg19) VCF-style: chr22-24134034-A-C.
Other names: c.185A>C, p.Lys62Thr (NM_001007468.3, NM_001317946.2, NM_001362877.2); short protein forms K62T.
Identifiers: ClinVar variation 1692744 (VCV001692744.1), dbSNP rs1928402357, ClinGen allele CA410932935.